The following is an entry in ClinVar:

NM_000388.4(CASR):c.112_113insC (p.Phe38fs)

Gene: CASR (calcium sensing receptor; plus strand). Cytogenetic location: 3q21.1.
Variant type: Insertion.
Coding change: c.112_113insC on transcript NM_000388.4 (MANE Select); coding-DNA positions 112 to 113, C inserted.
Protein change: p.Phe38fs; shifts the reading frame from phenylalanine 38.
Molecular consequence: frameshift variant.
Genome position: GRCh38 VCF-style: chr3-122254301-T-TC. GRCh37 (hg19) VCF-style: chr3-121973148-T-TC.
Other names: c.112_113insC, p.Phe38fs (NM_001178065.2); short protein forms F38fs.
Identifiers: ClinVar variation 1460173 (VCV001460173.6), dbSNP rs2107624936, ClinGen allele CA2573136436.

ClinVar aggregate classification (germline): Pathogenic (1 of 4 stars; one submission).

Conditions:
Familial hypocalciuric hypercalcemia (FHH). Also called: Familial benign hypercalcemia. Identifiers: Orphanet 405, MedGen C1809471, MONDO:0018458.
Autosomal dominant hypocalcemia 1 (HYPOC1). Also called: HYPOCALCEMIA, FAMILIAL. Identifiers: MedGen C3715128, MONDO:0011013, OMIM 601198.

Submission:

Labcorp Genetics (formerly Invitae), Labcorp
Classification: Pathogenic for Familial hypocalciuric hypercalcemia; Autosomal dominant hypocalcemia 1. Last evaluated: 2021-06-08. Review status: criteria provided, single submitter. Criteria: Invitae Variant Classification Sherloc (09022015). Collection method: clinical testing. Allele origin: germline.
Comment: For these reasons, this variant has been classified as Pathogenic. This sequence change creates a premature translational stop signal (p.Phe38Serfs*10) in the CASR gene. It is expected to result in an absent or disrupted protein product. Loss-of-function variants in CASR are known to be pathogenic (PMID: 22422767). This variant is not present in population databases (ExAC no frequency). This variant has not been reported in the literature in individuals with CASR-related conditions.

Literature cited by the submitters: PubMed 22422767.